The following is an entry in ClinVar:

NM_001042413.2(GLIS3):c.1742T>C (p.Leu581Pro)

Gene: GLIS3 (GLIS family zinc finger 3; minus strand). Cytogenetic location: 9p24.2.
Variant type: single nucleotide variant.
Coding change: c.1742T>C on transcript NM_001042413.2 (MANE Select); coding-DNA position 1742, T replaced by C.
Protein change: p.Leu581Pro; replaces leucine 581 with proline.
Molecular consequence: missense variant.
Genome position (GRCh38, 1-based): chr9:3,937,158, A>G on the plus strand (T>C on the coding strand, the complement: GLIS3 is on the minus strand). VCF-style: chr9-3937158-A-G. GRCh37 (hg19) VCF-style: chr9-3937158-A-G.
Other names: c.1742T>C, p.Leu581Pro (NM_001438906.1, NM_001438907.1, NM_001438908.1); c.1277T>C, p.Leu426Pro (NM_001438909.1, NM_152629.4); c.1076T>C, p.Leu359Pro (NM_001438911.1, NM_001438912.1); short protein forms L359P, L426P, L581P.
Identifiers: ClinVar variation 4527162 (VCV004527162.1).
Genomic context (GRCh38, chr9:3,937,158, plus strand): 5'-TGCTGGCACAAATACGGCTTCTCGCCTGTGTGGCTCCGCAAGTGGATCTTGAGATTTTCA[A>G]GCCTTGAAAAGGCCTTCTCGCAACCTTCAAACTGCAAAAAGAAAACAATTTTTGGTGGTT-3'
Protein context (NP_001035878.1, residues 571-591): FEGCEKAFSR[Leu581Pro]ENLKIHLRSH

ClinVar aggregate classification (germline): Uncertain significance (1 of 4 stars; one submission).

gnomAD v4.1: 3 of 1,614,192 alleles (0.00019%); highest among the groups gnomAD compares: East Asian, 0.0022%; no homozygotes.

Submission:

GeneDx
Classification: Uncertain significance. Last evaluated: 2025-04-23. Review status: criteria provided, single submitter. Criteria: GeneDx Variant Classification Process June 2021. Collection method: clinical testing. Allele origin: germline. Affected: yes.
Comment: Not observed at significant frequency in large population cohorts (gnomAD); In silico analysis supports that this missense variant has a deleterious effect on protein structure/function; Has not been previously published as pathogenic or benign to our knowledge